The following is an entry in ClinVar:

NM_002968.3(SALL1):c.1441A>G (p.Ile481Val)

Gene: SALL1 (spalt like transcription factor 1; minus strand). Cytogenetic location: 16q12.1.
Variant type: single nucleotide variant.
Coding change: c.1441A>G on transcript NM_002968.3 (MANE Select); coding-DNA position 1441, A replaced by G.
Protein change: p.Ile481Val; replaces isoleucine 481 with valine.
Molecular consequence: missense variant.
Genome position (GRCh38, 1-based): chr16:51,140,781, T>C on the plus strand (A>G on the coding strand, the complement: SALL1 is on the minus strand). VCF-style: chr16-51140781-T-C. GRCh37 (hg19) VCF-style: chr16-51174692-T-C.
Other names: c.1150A>G, p.Ile384Val (NM_001127892.2); short protein forms I384V, I481V.
Identifiers: ClinVar variation 1676474 (VCV001676474.4), dbSNP rs2143445989, ClinGen allele CA395888573.

ClinVar aggregate classification (germline): Uncertain significance. Review status: criteria provided, multiple submitters, no conflicts (2 of 4 stars). 2 submissions from 2 submitters: Uncertain significance (2). Last evaluated 2025-05-07.

Conditions:
Townes syndrome (TBS). Also called: Townes-Brocks syndrome. Identifiers: Orphanet 857, MedGen C0265246, MeSH C536974, MONDO:0007142.

Submissions (2):

Labcorp Genetics (formerly Invitae), Labcorp
Classification: Uncertain significance for Townes syndrome. Last evaluated: 2025-05-07. Review status: criteria provided, single submitter. Criteria: Invitae Variant Classification Sherloc (09022015). Collection method: clinical testing. Allele origin: germline.
Comment: This sequence change replaces isoleucine, which is neutral and non-polar, with valine, which is neutral and non-polar, at codon 481 of the SALL1 protein (p.Ile481Val). This variant is not present in population databases (gnomAD no frequency). This variant has not been reported in the literature in individuals affected with SALL1-related conditions. ClinVar contains an entry for this variant (Variation ID: 1676474). Invitae Evidence Modeling of protein sequence and biophysical properties (such as structural, functional, and spatial information, amino acid conservation, physicochemical variation, residue mobility, and thermodynamic stability) indicates that this missense variant is not expected to disrupt SALL1 protein function with a negative predictive value of 80%. In summary, the available evidence is currently insufficient to determine the role of this variant in disease. Therefore, it has been classified as a Variant of Uncertain Significance.

Greenwood Genetic Center Diagnostic Laboratories, Greenwood Genetic Center
Classification: Uncertain significance. Last evaluated: 2022-03-09. Review status: criteria provided, single submitter. Criteria: ACMG Guidelines, 2015. Collection method: clinical testing. Allele origin: germline. Affected: yes.
Comment: PM2